The following is an entry in ClinVar:

NM_000089.4(COL1A2):c.3113A>G (p.His1038Arg)

Gene: COL1A2 (collagen type I alpha 2 chain; plus strand). Cytogenetic location: 7q21.3.
Variant type: single nucleotide variant.
Coding change: c.3113A>G on transcript NM_000089.4 (MANE Select); coding-DNA position 3113, A replaced by G.
Protein change: p.His1038Arg; replaces histidine 1038 with arginine.
Molecular consequence: missense variant.
Genome position (GRCh38, 1-based): chr7:94,427,015, A>G. VCF-style: chr7-94427015-A-G. GRCh37 (hg19) VCF-style: chr7-94056327-A-G.
Other names: short protein forms H1038R.
Identifiers: ClinVar variation 1302148 (VCV001302148.2), dbSNP rs2115957051, ClinGen allele CA368225303.

ClinVar aggregate classification (germline): Uncertain significance (1 of 4 stars; one submission).

Allele frequency attached by ClinVar (database versions not stated): gnomAD exomes below 0.00001.
gnomAD v4.1: 5 of 1,613,692 alleles (0.00031%); highest among the groups gnomAD compares: South Asian, 0.0033%; no homozygotes.

Submission:

GeneDx
Classification: Uncertain significance. Last evaluated: 2019-06-20. Review status: criteria provided, single submitter. Criteria: GeneDx Variant Classification Process June 2021. Collection method: clinical testing. Allele origin: germline. Affected: yes.
Comment: Not observed in large population cohorts (Lek et al., 2016); In silico analysis, which includes protein predictors and evolutionary conservation, supports that this variant does not alter protein structure/function; Has not been previously published as pathogenic or benign to our knowledge